The following is an entry in ClinVar:

ClinVar aggregate classification (germline): Uncertain significance (1 of 4 stars; one submission).

Conditions:
Amyotrophic lateral sclerosis type 1 (ALS1). Also called: AMYOTROPHIC LATERAL SCLEROSIS 1, FAMILIAL. Identifiers: Orphanet 803, MedGen C1862939, MONDO:0007103, OMIM 105400.

Submission:

Kariminejad - Najmabadi Pathology & Genetics Center
Classification: Uncertain significance for Amyotrophic lateral sclerosis type 1. Last evaluated: 2024-02-19. Review status: criteria provided, single submitter. Criteria: ACMG Guidelines, 2015. Collection method: clinical testing. Allele origin: germline. Inheritance: Autosomal dominant inheritance. Affected: yes.
Comment: PP3-moderate,PM2

NM_006262.4(PRPH):c.695A>G (p.His232Arg)

Genes: PRPH (peripherin; plus strand), TROAP-AS1 (TROAP and PRPH antisense RNA 1; minus strand). Cytogenetic location: 12q13.12.
Variant type: single nucleotide variant.
Coding change: c.695A>G on transcript NM_006262.4 (MANE Select); coding-DNA position 695, A replaced by G.
Protein change: p.His232Arg; replaces histidine 232 with arginine.
Molecular consequence: missense variant. On other transcripts: non-coding transcript variant (1).
Genome position (GRCh38, 1-based): chr12:49,296,520, A>G. VCF-style: chr12-49296520-A-G. GRCh37 (hg19) VCF-style: chr12-49690303-A-G.
Other names: short protein forms H232R.
Identifiers: ClinVar variation 3896963 (VCV003896963.1).
Genomic context (GRCh38, chr12:49,296,520, plus strand): 5'-TGGAACTAGAGCGCAAGATTGAGTCTCTGATGGATGAGATTGAGTTCCTCAAGAAGCTGC[A>G]CGAGGAGGTAAGTGGGCCCGGTATCAGGGGCGGTTTCTGAGGTTGTGGGGTGGTCTCGCT-3'
Protein context (NP_006253.2, residues 222-242): MDEIEFLKKL[His232Arg]EEELRDLQVS